The following is an entry in ClinVar:

ClinVar aggregate classification (germline): Uncertain significance (1 of 4 stars; one submission).

Submission:

Labcorp Genetics (formerly Invitae), Labcorp
Classification: Uncertain significance. Last evaluated: 2025-12-19. Review status: criteria provided, single submitter. Criteria: Invitae Variant Classification Sherloc (09022015). Collection method: clinical testing. Allele origin: germline.
Comment: This variant, c.1557_1559del, results in the deletion of 1 amino acid(s) of the TRAP1 protein (p.Lys520del), but otherwise preserves the integrity of the reading frame. This variant is present in population databases (rs767468375, gnomAD 0.2%), and has an allele count higher than expected for a pathogenic variant. This variant has not been reported in the literature in individuals affected with TRAP1-related conditions. Experimental studies and prediction algorithms are not available or were not evaluated, and the functional significance of this variant is currently unknown. In summary, the available evidence is currently insufficient to determine the role of this variant in disease. Therefore, it has been classified as a Variant of Uncertain Significance.

NM_016292.3(TRAP1):c.1551GAA[2] (p.Lys520del)

Genes: DNASE1 (deoxyribonuclease 1; plus strand), TRAP1 (TNF receptor associated protein 1; minus strand). Cytogenetic location: 16p13.3.
Variant type: Microsatellite.
Coding change: c.1551GAA[2] on transcript NM_016292.3 (MANE Select); two copies in a row of the 3-base unit GAA starting at c.1551; the reference has three copies in a row; one copy, 3 bases deleted.
Protein change: p.Lys520del; deletes lysine 520.
Molecular consequence: inframe deletion. On other transcripts: 3 prime UTR variant (1).
Genome position (GRCh38, 1-based): chr16:3,664,284-3,664,286, TTC deleted on the plus strand (GAA on the coding strand, the reverse complement: TRAP1 is on the minus strand); deleting any 3 consecutive bases within chr16:3,664,284-3,664,292 gives the same sequence; the position shown is the placement nearest the transcript's 3' end. VCF-style (leftmost placement, unchanged base first): chr16-3664283-TTTC-T. GRCh37 (hg19) VCF-style: chr16-3714284-TTTC-T.
Other names: c.*1660TTC[2] (NM_001387140.1); c.1392GAA[2], p.Lys467del (NM_001272049.2); short protein forms K467del, K520del.
Identifiers: ClinVar variation 4751196 (VCV004751196.1).